The following is an entry in ClinVar:

NM_006206.6(PDGFRA):c.2820A>G (p.Arg940=)

Gene: PDGFRA (platelet derived growth factor receptor alpha; plus strand). Cytogenetic location: 4q12.
Variant type: single nucleotide variant.
Coding change: c.2820A>G on transcript NM_006206.6 (MANE Select); coding-DNA position 2820, A replaced by G.
Protein change: p.Arg940=; no amino-acid change (arginine 940 retained).
Molecular consequence: synonymous variant.
Genome position (GRCh38, 1-based): chr4:54,289,054, A>G. VCF-style: chr4-54289054-A-G. GRCh37 (hg19) VCF-style: chr4-55155221-A-G.
Other names: c.2895A>G, p.Arg965= (NM_001347828.2); c.2820A>G, p.Arg940= (NM_001347829.2); c.2859A>G, p.Arg953= (NM_001347830.2).
Identifiers: ClinVar variation 459071 (VCV000459071.16), dbSNP rs182516324, ClinGen allele CA2922963.

ClinVar aggregate classification (germline): Benign/Likely benign. Review status: criteria provided, multiple submitters, no conflicts (2 of 4 stars). 4 submissions from 4 submitters: Benign (1); Likely benign (3). Last evaluated 2026-06-17.

Conditions:
Polyps, multiple and recurrent inflammatory fibroid, gastrointestinal. Identifiers: MedGen C5193005, MONDO:0008285, OMIM 175510.
Hereditary cancer-predisposing syndrome. Also called: Neoplastic Syndromes, Hereditary; Hereditary Cancer Syndrome; Hereditary neoplastic syndrome; Tumor predisposition. Identifiers: Orphanet 140162, MedGen C0027672, MeSH D009386, MONDO:0015356.
Gastrointestinal stromal tumor. Also called: Gastrointestinal stromal tumor, somatic; Gastrointestinal stroma tumor. Identifiers: Orphanet 44890, MedGen C0238198, MeSH D046152, MONDO:0011719, OMIM 606764, HP:0100723.

Allele frequency attached by ClinVar (database versions not stated): gnomAD exomes below 0.00001 and 0.00001; ExAC 0.00001; gnomAD 0.00001; TOPMed 0.00001; 1000 Genomes Project 30x 0.00016; 1000 Genomes Project 0.00020.
gnomAD v4.1: 6 of 1,611,830 alleles (0.00037%); highest among the groups gnomAD compares: Middle Eastern, 0.017%; no homozygotes.

Submissions (4):

Myriad Genetics, Inc.
Classification: Benign for Polyps, multiple and recurrent inflammatory fibroid, gastrointestinal. Last evaluated: 2026-06-17. Review status: criteria provided, single submitter. Criteria: Myriad Autosomal Dominant, Autosomal Recessive and X-Linked Classification Criteria (2023). Collection method: clinical testing. Allele origin: unknown.
Comment: This variant is considered benign. This variant is a silent/synonymous amino acid change and it is not expected to impact splicing.

Labcorp Genetics (formerly Invitae), Labcorp
Classification: Likely benign for Gastrointestinal stromal tumor. Last evaluated: 2025-11-13. Review status: criteria provided, single submitter. Criteria: Invitae Variant Classification Sherloc (09022015). Collection method: clinical testing. Allele origin: germline.

Blueprint Genetics
Classification: Likely benign. Last evaluated: 2024-11-21. Review status: criteria provided, single submitter. Criteria: ACMG Guidelines, 2015. Collection method: clinical testing. Allele origin: germline.

Ambry Genetics
Classification: Likely benign for Hereditary cancer-predisposing syndrome. Last evaluated: 2022-11-19. Review status: criteria provided, single submitter. Criteria: Ambry Variant Classification Scheme 2023. Collection method: clinical testing. Allele origin: germline.